The following is an entry in ClinVar:

ClinVar aggregate classification (germline): Likely benign. Review status: criteria provided, single submitter (1 of 4 stars). 2 submissions from 2 submitters: Likely benign (1). 1 of the submissions does not count toward it. Last evaluated 2025-03-01.

Conditions:
CAPN15-related disorder. Also called: CAPN15-related condition.

Allele frequency attached by ClinVar (database versions not stated): ExAC 0.00086; gnomAD 0.00256; 1000 Genomes Project 0.00260; TOPMed 0.00288; ESP Exome Variant Server 0.00315; 1000 Genomes Project 30x 0.00344.
gnomAD v4.1: 1,037 of 1,592,824 alleles (0.065%); highest among the groups gnomAD compares: African/African-American, 0.9%; 3 homozygotes.

Submissions (10):

CeGaT Center for Human Genetics Tuebingen
Classification: Likely benign. Last evaluated: 2025-03-01. Review status: criteria provided, single submitter. Criteria: CeGaT Center For Human Genetics Tuebingen Variant Classification Criteria Version 2. Collection method: clinical testing. Allele origin: germline. Affected: yes. Observed: 1 variant allele.
Comment: CAPN15: BP4, BP7

PreventionGenetics, part of Exact Sciences
Classification: Benign for CAPN15-related condition. Last evaluated: 2019-09-18. Review status: no assertion criteria provided. Collection method: clinical testing. Allele origin: germline. Not counted in ClinVar's aggregate classification.
Comment: This variant is classified as benign based on ACMG/AMP sequence variant interpretation guidelines (Richards et al. 2015 PMID: 25741868, with internal and published modifications).

Dr. Peter K. Rogan Lab, Western University
No classification provided (evidence only). Condition: Lung cancer. Review status: no classification provided. Collection method: in vitro. Allele origin: not applicable. Functional consequence: retained intron. Not counted in ClinVar's aggregate classification.

Dr. Peter K. Rogan Lab, Western University
No classification provided (evidence only). Condition: Familial cancer of breast. Review status: no classification provided. Collection method: in vitro. Allele origin: not applicable. Functional consequence: retained intron. Not counted in ClinVar's aggregate classification.

Dr. Peter K. Rogan Lab, Western University
No classification provided (evidence only). Condition: Familial cancer of breast. Review status: no classification provided. Collection method: in vitro. Allele origin: not applicable. Functional consequence: retained intron. Not counted in ClinVar's aggregate classification.

Dr. Peter K. Rogan Lab, Western University
No classification provided (evidence only). Condition: Cervical cancer. Review status: no classification provided. Collection method: in vitro. Allele origin: not applicable. Functional consequence: retained intron. Not counted in ClinVar's aggregate classification.

Dr. Peter K. Rogan Lab, Western University
No classification provided (evidence only). Condition: Cervical cancer. Review status: no classification provided. Collection method: in vitro. Allele origin: not applicable. Functional consequence: retained intron. Not counted in ClinVar's aggregate classification.

Dr. Peter K. Rogan Lab, Western University
No classification provided (evidence only). Condition: Sarcoma. Review status: no classification provided. Collection method: in vitro. Allele origin: not applicable. Functional consequence: retained intron. Not counted in ClinVar's aggregate classification.

Dr. Peter K. Rogan Lab, Western University
No classification provided (evidence only). Condition: Sarcoma. Review status: no classification provided. Collection method: in vitro. Allele origin: not applicable. Functional consequence: retained intron. Not counted in ClinVar's aggregate classification.

Dr. Peter K. Rogan Lab, Western University
No classification provided (evidence only). Condition: Gastric cancer. Review status: no classification provided. Collection method: in vitro. Allele origin: not applicable. Functional consequence: retained intron. Not counted in ClinVar's aggregate classification.

NM_005632.3(CAPN15):c.2334C>T (p.Gly778=)

Gene: CAPN15 (calpain 15; plus strand). Cytogenetic location: 16p13.3.
Variant type: single nucleotide variant.
Coding change: c.2334C>T on transcript NM_005632.3 (MANE Select); coding-DNA position 2334, C replaced by T.
Protein change: p.Gly778=; no amino-acid change (glycine 778 retained).
Molecular consequence: synonymous variant.
Genome position (GRCh38, 1-based): chr16:551,653, C>T. VCF-style: chr16-551653-C-T. GRCh37 (hg19) VCF-style: chr16-601653-C-T.
Other names: NC_000016.9:g.601653C>T.
Identifiers: ClinVar variation 3041157 (VCV003041157.10), dbSNP rs144075530, ClinGen allele CA7778670.
Genomic context (GRCh38, chr16:551,653, plus strand): 5'-CCTGCGTGGCGAGCTCATGCCGCACGGCAGCAGTGAGGGTGTCTTCTGGATGGAGTACGG[C>T]GACTTTGTCAGGTATCGGCACCGTGGGGCGGTGTGCACGCCGCCCCCGCCCTCCTAGGGC-3'
Protein context (NP_005623.1, residues 768-788): SSEGVFWMEY[Gly778=]DFVRYFDSVD